The following is an entry in ClinVar:

NC_000005.9:g.(?_112043009)_(112073585_?)dup

Genes: APC (APC regulator of Wnt signaling pathway; plus strand), LOC129994371 (ATAC-STARR-seq lymphoblastoid active region 22910; plus strand). Cytogenetic location: 5q22.2.
Variant type: Duplication.
Identifiers: ClinVar variation 652947 (VCV000652947.7).

ClinVar aggregate classification (germline): Uncertain significance. Review status: criteria provided, single submitter (1 of 4 stars). 2 submissions from 1 submitter: Uncertain significance (1). 1 of the submissions does not count toward it. Last evaluated 2022-09-14.

Conditions:
Familial adenomatous polyposis 1 (FAP1). Also called: POLYPOSIS, ADENOMATOUS INTESTINAL; FAMILIAL ADENOMATOUS POLYPOSIS 1, ATTENUATED. Identifiers: MedGen C2713442, MONDO:0021056, OMIM 175100. Disease mechanism: loss of function.

Submissions (2):

Labcorp Genetics (formerly Invitae), Labcorp
Classification: Uncertain significance for Familial adenomatous polyposis 1. Last evaluated: 2022-09-14. Review status: criteria provided, single submitter. Criteria: Invitae Variant Classification Sherloc (09022015). Collection method: clinical testing. Allele origin: germline.
Comment: In summary, the available evidence is currently insufficient to determine the role of this variant in disease. Therefore, it has been classified as a Variant of Uncertain Significance. Experimental studies and prediction algorithms are not available or were not evaluated, and the functional significance of this variant is currently unknown. This variant has not been reported in the literature in individuals affected with APC-related conditions. This variant is a copy number gain that occurs in a non-coding region of the APC gene. It does not change the encoded amino acid sequence of the APC protein.

Labcorp Genetics (formerly Invitae), Labcorp
Classification: Uncertain significance for Familial adenomatous polyposis 1. Last evaluated: 2018-12-28. Review status: flagged submission. Criteria: Invitae Variant Classification Sherloc (09022015). Collection method: clinical testing. Allele origin: germline. Not counted in ClinVar's aggregate classification.
Comment: This variant occurs in a non-coding region of the APC gene. It does not change the encoded amino acid sequence of the APC protein. This variant has not been reported in the literature in individuals with APC-related conditions. Experimental studies and prediction algorithms are not available for this variant, and the functional significance of this non-coding change is currently unknown. In summary, the available evidence is currently insufficient to determine the role of this variant in disease. Therefore, it has been classified as a Variant of Uncertain Significance.
ClinVar note: Reason: This record appears to be redundant with a more recent record from the same submitter.
ClinVar note: Notes: SCV000948737 appears to be redundant with SCV002273061.